The following is an entry in ClinVar:

NM_005257.6(GATA6):c.31C>A (p.Pro11Thr)

Gene: GATA6 (GATA binding protein 6; plus strand). Cytogenetic location: 18q11.2.
Variant type: single nucleotide variant.
Coding change: c.31C>A on transcript NM_005257.6 (MANE Select); coding-DNA position 31, C replaced by A.
Protein change: p.Pro11Thr; replaces proline 11 with threonine.
Molecular consequence: missense variant.
Genome position (GRCh38, 1-based): chr18:22,171,175, C>A. VCF-style: chr18-22171175-C-A. GRCh37 (hg19) VCF-style: chr18-19751136-C-A.
Other names: short protein forms P11T.
Identifiers: ClinVar variation 4536547 (VCV004536547.1).

ClinVar aggregate classification (germline): Uncertain significance (1 of 4 stars; one submission).

Submission:

GeneDx
Classification: Uncertain significance. Last evaluated: 2025-06-04. Review status: criteria provided, single submitter. Criteria: GeneDx Variant Classification Process June 2021. Collection method: clinical testing. Allele origin: germline. Affected: yes.
Comment: Not observed at significant frequency in large population cohorts (gnomAD); In silico analysis suggests that this missense variant does not alter protein structure/function; Has not been previously published as pathogenic or benign to our knowledge